The following is an entry in ClinVar:

ClinVar aggregate classification (germline): Uncertain significance. Review status: criteria provided, multiple submitters, no conflicts (2 of 4 stars). 2 submissions from 2 submitters: Uncertain significance (2). Last evaluated 2024-02-21.

Allele frequency attached by ClinVar (database versions not stated): TOPMed below 0.00001; gnomAD 0.00001.
gnomAD v4.1: 6 of 1,608,650 alleles (0.00037%); highest among the groups gnomAD compares: Non-Finnish European, 0.00051%; no homozygotes.

Submissions (2):

Ambry Genetics
Classification: Uncertain significance. Last evaluated: 2024-02-21. Review status: criteria provided, single submitter. Criteria: Ambry Variant Classification Scheme 2023. Collection method: clinical testing. Allele origin: germline.

Labcorp Genetics (formerly Invitae), Labcorp
Classification: Uncertain significance. Last evaluated: 2024-01-18. Review status: criteria provided, single submitter. Criteria: Invitae Variant Classification Sherloc (09022015). Collection method: clinical testing. Allele origin: germline.
Comment: This sequence change replaces lysine, which is basic and polar, with glutamic acid, which is acidic and polar, at codon 457 of the LZTS1 protein (p.Lys457Glu). This variant is present in population databases (no rsID available, gnomAD 0.007%). This variant has not been reported in the literature in individuals affected with LZTS1-related conditions. ClinVar contains an entry for this variant (Variation ID: 1931795). Advanced modeling of protein sequence and biophysical properties (such as structural, functional, and spatial information, amino acid conservation, physicochemical variation, residue mobility, and thermodynamic stability) performed at Invitae indicates that this missense variant is expected to disrupt LZTS1 protein function with a positive predictive value of 80%. In summary, the available evidence is currently insufficient to determine the role of this variant in disease. Therefore, it has been classified as a Variant of Uncertain Significance.

NM_021020.5(LZTS1):c.1369A>G (p.Lys457Glu)

Gene: LZTS1 (leucine zipper tumor suppressor 1; minus strand). Cytogenetic location: 8p21.3.
Variant type: single nucleotide variant.
Coding change: c.1369A>G on transcript NM_021020.5 (MANE Select); coding-DNA position 1369, A replaced by G.
Protein change: p.Lys457Glu; replaces lysine 457 with glutamic acid.
Molecular consequence: missense variant.
Genome position (GRCh38, 1-based): chr8:20,250,144, T>C on the plus strand (A>G on the coding strand, the complement: LZTS1 is on the minus strand). VCF-style: chr8-20250144-T-C. GRCh37 (hg19) VCF-style: chr8-20107655-T-C.
Other names: c.1369A>G (NM_021020.2); c.1369A>G, p.Lys457Glu (NM_001362884.2); short protein forms K457E.
Identifiers: ClinVar variation 1931795 (VCV001931795.6), dbSNP rs1211176309, ClinGen allele CA370476287.